The following is an entry in ClinVar:

ClinVar aggregate classification (germline): Uncertain significance. Review status: criteria provided, multiple submitters, no conflicts (2 of 4 stars). 2 submissions from 2 submitters: Uncertain significance (2). Last evaluated 2025-08-12.

Conditions:
Progressive familial heart block type IB (PFHB1B). Identifiers: Orphanet 871, MedGen C1970298, MONDO:0011474, OMIM 604559.
Cardiovascular phenotype. Identifiers: MedGen CN230736.

Allele frequency attached by ClinVar (database versions not stated): gnomAD 0.00001; ExAC 0.00004; TOPMed 0.00006.
gnomAD v4.1: 31 of 1,614,122 alleles (0.0019%); highest among the groups gnomAD compares: Admixed American, 0.037%; no homozygotes.

Submissions (2):

Ambry Genetics
Classification: Uncertain significance for Cardiovascular phenotype. Last evaluated: 2025-08-12. Review status: criteria provided, single submitter. Criteria: Ambry Variant Classification Scheme 2023. Collection method: clinical testing. Allele origin: germline.
Comment: The p.A1074V variant (also known as c.3221C>T), located in coding exon 21 of the TRPM4 gene, results from a C to T substitution at nucleotide position 3221. The alanine at codon 1074 is replaced by valine, an amino acid with similar properties. This amino acid position is conserved. In addition, this alteration is predicted to be tolerated by in silico analysis. Since supporting evidence is limited at this time, the clinical significance of this alteration remains unclear.

Labcorp Genetics (formerly Invitae), Labcorp
Classification: Uncertain significance for Progressive familial heart block type IB. Last evaluated: 2025-07-09. Review status: criteria provided, single submitter. Criteria: Invitae Variant Classification Sherloc (09022015). Collection method: clinical testing. Allele origin: germline.
Comment: This sequence change replaces alanine, which is neutral and non-polar, with valine, which is neutral and non-polar, at codon 1074 of the TRPM4 protein (p.Ala1074Val). This variant is present in population databases (rs745752156, gnomAD 0.05%), and has an allele count higher than expected for a pathogenic variant. This variant has not been reported in the literature in individuals affected with TRPM4-related conditions. ClinVar contains an entry for this variant (Variation ID: 2057736). An algorithm developed to predict the effect of missense changes on protein structure and function (PolyPhen-2) suggests that this variant is likely to be disruptive. In summary, the available evidence is currently insufficient to determine the role of this variant in disease. Therefore, it has been classified as a Variant of Uncertain Significance.

NM_017636.4(TRPM4):c.3221C>T (p.Ala1074Val)

Gene: TRPM4 (transient receptor potential cation channel subfamily M member 4; plus strand). Cytogenetic location: 19q13.33.
Variant type: single nucleotide variant.
Coding change: c.3221C>T on transcript NM_017636.4 (MANE Select); coding-DNA position 3221, C replaced by T.
Protein change: p.Ala1074Val; replaces alanine 1074 with valine.
Molecular consequence: missense variant.
Genome position (GRCh38, 1-based): chr19:49,210,298, C>T. VCF-style: chr19-49210298-C-T. GRCh37 (hg19) VCF-style: chr19-49713555-C-T.
Other names: c.3221C>T (NM_017636.3); c.2786C>T, p.Ala929Val (NM_001195227.2); c.2876C>T, p.Ala959Val (NM_001321281.2); c.1613C>T, p.Ala538Val (NM_001321282.2); c.2699C>T, p.Ala900Val (NM_001321283.2); c.2159C>T, p.Ala720Val (NM_001321285.2); short protein forms A538V, A720V, A959V, A929V, A1074V, A900V.
Identifiers: ClinVar variation 2057736 (VCV002057736.7), dbSNP rs745752156, ClinGen allele CA9569819.